The following is an entry in ClinVar:

NM_003114.5(SPAG1):c.640G>C (p.Glu214Gln)

Gene: SPAG1 (sperm associated antigen 1; plus strand). Cytogenetic location: 8q22.2.
Variant type: single nucleotide variant.
Coding change: c.640G>C on transcript NM_003114.5 (MANE Select); coding-DNA position 640, G replaced by C.
Protein change: p.Glu214Gln; replaces glutamic acid 214 with glutamine.
Molecular consequence: missense variant.
Genome position (GRCh38, 1-based): chr8:100,184,672, G>C. VCF-style: chr8-100184672-G-C. GRCh37 (hg19) VCF-style: chr8-101196900-G-C.
Other names: c.640G>C, p.Glu214Gln (NM_001374321.1, NM_172218.3); short protein forms E214Q.
Identifiers: ClinVar variation 3800113 (VCV003800113.1).

ClinVar aggregate classification (germline): Uncertain significance (1 of 4 stars; one submission).

Conditions:
Primary ciliary dyskinesia. Also called: Ciliary dyskinesia. Identifiers: Orphanet 244, MedGen C0008780, MONDO:0016575, HP:0012265.

Submission:

Ambry Genetics
Classification: Uncertain significance for Primary ciliary dyskinesia. Last evaluated: 2024-12-13. Review status: criteria provided, single submitter. Criteria: Ambry Variant Classification Scheme 2023. Collection method: clinical testing. Allele origin: germline.
Comment: The p.E214Q variant (also known as c.640G>C), located in coding exon 6 of the SPAG1 gene, results from a G to C substitution at nucleotide position 640. The glutamic acid at codon 214 is replaced by glutamine, an amino acid with highly similar properties. This amino acid position is conserved. In addition, this alteration is predicted to be tolerated by in silico analysis. Based on the available evidence, the clinical significance of this variant remains unclear.